The following is an entry in ClinVar:

NM_004304.5(ALK):c.400A>C (p.Lys134Gln)

Gene: ALK (ALK receptor tyrosine kinase; minus strand). Cytogenetic location: 2p23.1.
Variant type: single nucleotide variant.
Coding change: c.400A>C on transcript NM_004304.5 (MANE Select); coding-DNA position 400, A replaced by C.
Protein change: p.Lys134Gln; replaces lysine 134 with glutamine.
Molecular consequence: missense variant.
Genome position (GRCh38, 1-based): chr2:29,920,260, T>G on the plus strand (A>C on the coding strand, the complement: ALK is on the minus strand). VCF-style: chr2-29920260-T-G. GRCh37 (hg19) VCF-style: chr2-30143126-T-G.
Other names: short protein forms K134Q.
Identifiers: ClinVar variation 1736990 (VCV001736990.8), dbSNP rs775475622, ClinGen allele CA1594979.

ClinVar aggregate classification (germline): Uncertain significance. Review status: criteria provided, multiple submitters, no conflicts (2 of 4 stars). 2 submissions from 2 submitters: Uncertain significance (2). Last evaluated 2025-07-09.

Conditions:
Hereditary cancer-predisposing syndrome. Also called: Neoplastic Syndromes, Hereditary; Tumor predisposition; Hereditary Cancer Syndrome; Hereditary neoplastic syndrome. Identifiers: Orphanet 140162, MedGen C0027672, MeSH D009386, MONDO:0015356.
Neuroblastoma, susceptibility to, 3. Also called: ALK-Related Neuroblastic Tumor Susceptibility. Identifiers: Orphanet 635, MedGen C2751681, MONDO:0013083, OMIM 613014.

Allele frequency attached by ClinVar (database versions not stated): ExAC 0.00002.
gnomAD v4.1: 1 of 1,603,276 alleles (0.000062%); highest among the groups gnomAD compares: Non-Finnish European, 0.000085%; no homozygotes.

Submissions (2):

Labcorp Genetics (formerly Invitae), Labcorp
Classification: Uncertain significance for Neuroblastoma, susceptibility to, 3. Last evaluated: 2025-07-09. Review status: criteria provided, single submitter. Criteria: Invitae Variant Classification Sherloc (09022015). Collection method: clinical testing. Allele origin: germline.
Comment: This sequence change replaces lysine, which is basic and polar, with glutamine, which is neutral and polar, at codon 134 of the ALK protein (p.Lys134Gln). This variant is present in population databases (rs775475622, gnomAD 0.001%). This variant has not been reported in the literature in individuals affected with ALK-related conditions. ClinVar contains an entry for this variant (Variation ID: 1736990). An algorithm developed to predict the effect of missense changes on protein structure and function (PolyPhen-2) suggests that this variant is likely to be disruptive. In summary, the available evidence is currently insufficient to determine the role of this variant in disease. Therefore, it has been classified as a Variant of Uncertain Significance.

Ambry Genetics
Classification: Uncertain significance for Hereditary cancer-predisposing syndrome. Last evaluated: 2025-03-04. Review status: criteria provided, single submitter. Criteria: Ambry Variant Classification Scheme 2023. Collection method: clinical testing. Allele origin: germline.
Comment: The p.K134Q variant (also known as c.400A>C), located in coding exon 1 of the ALK gene, results from an A to C substitution at nucleotide position 400. The lysine at codon 134 is replaced by glutamine, an amino acid with similar properties. This amino acid position is conserved. In addition, the in silico prediction for this alteration is inconclusive. Since supporting evidence is limited at this time, the clinical significance of this alteration remains unclear.